The following is an entry in ClinVar:

NM_006206.6(PDGFRA):c.1999T>A (p.Ser667Thr)

Gene: PDGFRA (platelet derived growth factor receptor alpha; plus strand). Cytogenetic location: 4q12.
Variant type: single nucleotide variant.
Coding change: c.1999T>A on transcript NM_006206.6 (MANE Select); coding-DNA position 1999, T replaced by A.
Protein change: p.Ser667Thr; replaces serine 667 with threonine.
Molecular consequence: missense variant.
Genome position (GRCh38, 1-based): chr4:54,278,003, T>A. VCF-style: chr4-54278003-T-A. GRCh37 (hg19) VCF-style: chr4-55144170-T-A.
Other names: c.1999T>A, p.Ser667Thr (NM_001347827.2, NM_001347829.2); c.2074T>A, p.Ser692Thr (NM_001347828.2); c.2038T>A, p.Ser680Thr (NM_001347830.2); short protein forms S667T, S692T, S680T.
Identifiers: ClinVar variation 1931153 (VCV001931153.5), dbSNP rs2110312288, ClinGen allele CA356893797.

ClinVar aggregate classification (germline): Uncertain significance (1 of 4 stars; one submission).

Conditions:
Gastrointestinal stromal tumor. Also called: Gastrointestinal stromal tumor, somatic; Gastrointestinal stroma tumor. Identifiers: Orphanet 44890, MedGen C0238198, MeSH D046152, MONDO:0011719, OMIM 606764, HP:0100723.

Submission:

Labcorp Genetics (formerly Invitae), Labcorp
Classification: Uncertain significance for Gastrointestinal stromal tumor. Last evaluated: 2022-01-17. Review status: criteria provided, single submitter. Criteria: Invitae Variant Classification Sherloc (09022015). Collection method: clinical testing. Allele origin: germline.
Comment: This sequence change replaces serine, which is neutral and polar, with threonine, which is neutral and polar, at codon 667 of the PDGFRA protein (p.Ser667Thr). This variant is not present in population databases (gnomAD no frequency). This variant has not been reported in the literature in individuals affected with PDGFRA-related conditions. Algorithms developed to predict the effect of missense changes on protein structure and function (SIFT, PolyPhen-2, Align-GVGD) all suggest that this variant is likely to be tolerated. In summary, the available evidence is currently insufficient to determine the role of this variant in disease. Therefore, it has been classified as a Variant of Uncertain Significance.